The following is an entry in ClinVar:

NM_001379610.1(SPINK1):c.199C>T (p.Arg67Cys)

Gene: SPINK1 (serine peptidase inhibitor Kazal type 1; minus strand). Cytogenetic location: 5q32.
Variant type: single nucleotide variant.
Coding change: c.199C>T on transcript NM_001379610.1 (MANE Select); coding-DNA position 199, C replaced by T.
Protein change: p.Arg67Cys; replaces arginine 67 with cysteine.
Molecular consequence: missense variant.
Genome position (GRCh38, 1-based): chr5:147,824,702, G>A on the plus strand (C>T on the coding strand, the complement: SPINK1 is on the minus strand). VCF-style: chr5-147824702-G-A. GRCh37 (hg19) VCF-style: chr5-147204265-G-A.
Other names: c.199C>T, p.Arg67Cys (NM_001354966.2, NM_003122.5); short protein forms R67C.
Identifiers: ClinVar variation 132145 (VCV000132145.14), dbSNP rs515726208, ClinGen allele CA345644.

ClinVar aggregate classification (germline): Uncertain significance. Review status: criteria provided, multiple submitters, no conflicts (2 of 4 stars). 7 submissions from 7 submitters: Uncertain significance (6). 1 of the submissions does not count toward it. Last evaluated 2024-10-21.

Conditions:
Hereditary pancreatitis (PCTT). Also called: PRSS1-Related Hereditary Pancreatitis; Hereditary chronic pancreatitis. Identifiers: Orphanet 676, MedGen C0238339, MONDO:0008185, OMIM 167800.
Tropical pancreatitis. Identifiers: Orphanet 103918, MedGen C1842402, MONDO:0011986, OMIM 608189.

Allele frequency attached by ClinVar (database versions not stated): gnomAD 0.00002 and 0.00001; ExAC 0.00003; gnomAD exomes 0.00003 and 0.00002; TOPMed 0.00001.
gnomAD v4.1: 35 of 1,613,762 alleles (0.0022%); highest among the groups gnomAD compares: East Asian, 0.022%; no homozygotes.

Submissions (7):

Labcorp Genetics (formerly Invitae), Labcorp
Classification: Uncertain significance for Hereditary pancreatitis. Last evaluated: 2024-10-21. Review status: criteria provided, single submitter. Criteria: Invitae Variant Classification Sherloc (09022015). Collection method: clinical testing. Allele origin: germline.
Comment: This sequence change replaces arginine, which is basic and polar, with cysteine, which is neutral and slightly polar, at codon 67 of the SPINK1 protein (p.Arg67Cys). This variant is present in population databases (rs515726208, gnomAD 0.01%). This missense change has been observed in individual(s) with chronic pancreatitis (PMID: 11578065, 22427236, 30420730, 33515547). ClinVar contains an entry for this variant (Variation ID: 132145). An algorithm developed to predict the effect of missense changes on protein structure and function (PolyPhen-2) suggests that this variant is likely to be disruptive. Experimental studies have shown that this missense change affects SPINK1 function (PMID: 17525091, 17568390). In summary, the available evidence is currently insufficient to determine the role of this variant in disease. Therefore, it has been classified as a Variant of Uncertain Significance.

Fulgent Genetics
Classification: Uncertain significance for Hereditary pancreatitis; Tropical pancreatitis. Last evaluated: 2024-06-25. Review status: criteria provided, single submitter. Criteria: ACMG Guidelines, 2015. Collection method: clinical testing. Allele origin: germline.

Women's Health and Genetics/Laboratory Corporation of America, LabCorp
Classification: Uncertain significance. Last evaluated: 2024-06-12. Review status: criteria provided, single submitter. Criteria: LabCorp Variant Classification Summary - May 2015. Collection method: clinical testing. Allele origin: germline.
Comment: Variant summary: SPINK1 c.199C>T (p.Arg67Cys) results in a non-conservative amino acid change located in the Kazal domain (IPR001239) of the encoded protein sequence. Three of five in-silico tools predict a benign effect of the variant on protein function. The variant allele was found at a frequency of 3.2e-05 in 250282 control chromosomes. The available data on variant occurrences in the general population are insufficient to allow any conclusion about variant significance. 199C>T has been reported in the literature in individuals affected with Chronic Pancreatitis (example:Kuwata_2001, Zou_2018, Szabo_2021 and Rosendahl_2012). Multiple publications have reported experimental evidence evaluating an impact on protein function (example: Boulling_2007, Kiraly_2007, Wu_2017). However these reports do not provide unequivocal conclusions about association of the variant with Chronic Pancreatitis Risk. The following publications have been ascertained in the context of this evaluation (PMID: 17568390, 17525091, 11578065, 22427236, 33515547, 28994706, 30420730). ClinVar contains an entry for this variant (Variation ID: 132145). Based on the evidence outlined above, the variant was classified as uncertain significance.

Mayo Clinic Laboratories, Mayo Clinic
Classification: Uncertain significance. Last evaluated: 2024-03-28. Review status: criteria provided, single submitter. Criteria: ACMG Guidelines, 2015. Collection method: clinical testing. Allele origin: germline. Observed: 1 variant allele.

Ambry Genetics
Classification: Uncertain significance for Hereditary pancreatitis. Last evaluated: 2023-04-07. Review status: criteria provided, single submitter. Criteria: Ambry Variant Classification Scheme 2023. Collection method: clinical testing. Allele origin: germline.
Comment: The p.R67C variant (also known as c.199C>T), located in coding exon 4 of the SPINK1 gene, results from a C to T substitution at nucleotide position 199. The arginine at codon 67 is replaced by cysteine, an amino acid with highly dissimilar properties. This alteration has been identified in multiple individuals diagnosed with pancreatitis (Kuwata K et al. J Gastroenterol, 2001 Sep;36:612-8; Zou WB et al. Clin Transl Gastroenterol, 2018 Nov;9:204). In vitro expression analysis revealed that the p.R67C allele results in intracellular retention and significantly decreased secretion of the SPINK1 gene product compared to wild type (Kir&aacute;ly O et al. Gut, 2007 Oct;56:1433-8). This amino acid position is well conserved in available vertebrate species. In addition, this alteration is predicted to be tolerated by in silico analysis. Since supporting evidence is limited at this time, the clinical significance of this alteration remains unclear.

Department of Genetics, Sultan Qaboos University Hospital
Classification: Uncertain significance for Hereditary pancreatitis. Last evaluated: 2017-12-30. Review status: criteria provided, single submitter. Criteria: ACMG Guidelines, 2015. Collection method: curation. Allele origin: unknown. Affected: yes.

GeneReviews
No classification provided. Condition: Hereditary pancreatitis. Review status: no classification provided. Collection method: literature only. Allele origin: germline. Affected: yes. Not counted in ClinVar's aggregate classification.

Literature cited by the submitters: PubMed 11578065 (cited by 4 submitters); PubMed 22427236 (cited by 3 submitters); PubMed 30420730 (cited by 4 submitters); PubMed 33515547 (cited by 3 submitters); PubMed 17525091 (cited by 4 submitters); PubMed 17568390 (cited by 3 submitters); PubMed 28994706 (cited by Women's Health and Genetics/Laboratory Corporation of America, LabCorp and Mayo Clinic Laboratories, Mayo Clinic); PubMed 12629264 (cited by Mayo Clinic Laboratories, Mayo Clinic); PubMed 12743777 (cited by Mayo Clinic Laboratories, Mayo Clinic); PubMed 15980664 (cited by Mayo Clinic Laboratories, Mayo Clinic); PubMed 32948427 (cited by Mayo Clinic Laboratories, Mayo Clinic); PubMed 34140232 (cited by Mayo Clinic Laboratories, Mayo Clinic); NCBI Bookshelf NBK190101 (cited by GeneReviews).